The following is an entry in ClinVar:

NM_007118.4(TRIO):c.7748G>A (p.Ser2583Asn)

Gene: TRIO (trio Rho guanine nucleotide exchange factor; plus strand). Cytogenetic location: 5p15.2.
Variant type: single nucleotide variant.
Coding change: c.7748G>A on transcript NM_007118.4 (MANE Select); coding-DNA position 7748, G replaced by A.
Protein change: p.Ser2583Asn; replaces serine 2583 with asparagine.
Molecular consequence: missense variant. On other transcripts: non-coding transcript variant (1).
Genome position (GRCh38, 1-based): chr5:14,492,682, G>A. VCF-style: chr5-14492682-G-A. GRCh37 (hg19) VCF-style: chr5-14492791-G-A.
Other names: short protein forms S2583N.
Identifiers: ClinVar variation 1712621 (VCV001712621.2), dbSNP rs2477545585, ClinGen allele CA359238378.

ClinVar aggregate classification (germline): Uncertain significance (1 of 4 stars; one submission).

Submission:

GeneDx
Classification: Uncertain significance. Last evaluated: 2022-04-25. Review status: criteria provided, single submitter. Criteria: GeneDx Variant Classification Process June 2021. Collection method: clinical testing. Allele origin: germline. Affected: yes.
Comment: Not observed at significant frequency in large population cohorts (gnomAD); In silico analysis supports that this missense variant does not alter protein structure/function; Has not been previously published as pathogenic or benign to our knowledge